The following is an entry in ClinVar:

ClinVar aggregate classification (germline): Uncertain significance (1 of 4 stars; one submission).

gnomAD v4.1: 1 of 1,613,852 alleles (0.000062%); no homozygotes.

Submission:

Labcorp Genetics (formerly Invitae), Labcorp
Classification: Uncertain significance. Last evaluated: 2025-05-19. Review status: criteria provided, single submitter. Criteria: Invitae Variant Classification Sherloc (09022015). Collection method: clinical testing. Allele origin: germline.
Comment: This sequence change falls in intron 27 of the SCN3A gene. It does not directly change the encoded amino acid sequence of the SCN3A protein. It affects a nucleotide within the consensus splice site. This variant is not present in population databases (gnomAD no frequency). This variant has not been reported in the literature in individuals affected with SCN3A-related conditions. ClinVar contains an entry for this variant (Variation ID: 1970776). Variants that disrupt the consensus splice site are a relatively common cause of aberrant splicing (PMID: 17576681, 9536098). Algorithms developed to predict the effect of sequence changes on RNA splicing suggest that this variant is not likely to affect RNA splicing. In summary, the available evidence is currently insufficient to determine the role of this variant in disease. Therefore, it has been classified as a Variant of Uncertain Significance.

Literature cited by the submitters: PubMed 17576681; PubMed 9536098.

NM_006922.4(SCN3A):c.4808-3T>C

Gene: SCN3A (sodium voltage-gated channel alpha subunit 3; minus strand). Cytogenetic location: 2q24.3.
Variant type: single nucleotide variant.
Coding change: c.4808-3T>C on transcript NM_006922.4 (MANE Select); 3 bases into the intron before coding-DNA position 4808, T replaced by C.
Molecular consequence: intron variant.
Genome position (GRCh38, 1-based): chr2:165,091,348, A>G on the plus strand (T>C on the coding strand, the complement: SCN3A is on the minus strand). VCF-style: chr2-165091348-A-G. GRCh37 (hg19) VCF-style: chr2-165947858-A-G.
Other names: c.4661-3T>C (NM_001081676.2, NM_001081677.2).
Identifiers: ClinVar variation 1970776 (VCV001970776.5), dbSNP rs1387876951, ClinGen allele CA2580064187.